The following is an entry in ClinVar:

NM_000051.3(ATM):c.-30_-27delACAG

Gene: ATM (ATM serine/threonine kinase; plus strand). Cytogenetic location: 11q22.3.
Variant type: Microsatellite.
Coding change: c.-30_-27delACAG on transcript NM_000051.3; 30 bases upstream of the start codon through 27 bases upstream of the start codon, 4 bases deleted (ACAG).
Genome position (GRCh38, 1-based): chr11:108,227,595-108,227,598, ACAG deleted; deleting any 4 consecutive bases within chr11:108,227,591-108,227,598 gives the same sequence; the c. name uses the placement nearest the transcript's 3' end. VCF-style (leftmost placement, unchanged base first): chr11-108227590-TACAG-T. GRCh37 (hg19) VCF-style: chr11-108098317-TACAG-T.
Identifiers: ClinVar variation 514341 (VCV000514341.3), ClinGen allele CA654465358.

ClinVar aggregate classification (germline): Likely benign (1 of 4 stars; one submission).

Submission:

GeneDx
Classification: Likely benign. Last evaluated: 2017-12-22. Review status: criteria provided, single submitter. Criteria: GeneDx Variant Classification (06012015). Collection method: clinical testing. Allele origin: germline. Affected: yes.
Comment: This variant is considered likely benign or benign based on one or more of the following criteria: it is a conservative change, it occurs at a poorly conserved position in the protein, it is predicted to be benign by multiple in silico algorithms, and/or has population frequency not consistent with disease.